The following is an entry in ClinVar:

NM_182641.4(BPTF):c.242_243insCCCGCC (p.Pro82_Ala83insProPro)

Gene: BPTF (bromodomain PHD finger transcription factor; plus strand). Cytogenetic location: 17q24.2.
Variant type: Insertion.
Coding change: c.242_243insCCCGCC on transcript NM_182641.4 (MANE Select); coding-DNA positions 242 to 243, CCCGCC inserted.
Protein change: p.Pro82_Ala83insProPro.
Molecular consequence: inframe insertion.
Genome position: GRCh38 VCF-style: chr17-67825961-G-GCCGCCC. GRCh37 (hg19) VCF-style: chr17-65822077-G-GCCGCCC.
Other names: c.242_243insCCCGCC, p.Pro82_Ala83insProPro (NM_004459.7).
Identifiers: ClinVar variation 2500503 (VCV002500503.1), dbSNP rs2055962577, ClinGen allele CA2271918120.

ClinVar aggregate classification (germline): Uncertain significance (1 of 4 stars; one submission).

Submission:

GeneDx
Classification: Uncertain significance. Last evaluated: 2022-10-26. Review status: criteria provided, single submitter. Criteria: GeneDx Variant Classification Process June 2021. Collection method: clinical testing. Allele origin: germline. Affected: yes.
Comment: In-frame duplication of 2 amino acids in a repetitive region with no known function; Not observed at significant frequency in large population cohorts (gnomAD); Has not been previously published as pathogenic or benign to our knowledge